The following is an entry in ClinVar:

NM_025179.4(PLXNA2):c.1515G>T (p.Arg505Ser)

Gene: PLXNA2 (plexin A2; minus strand). Cytogenetic location: 1q32.2.
Variant type: single nucleotide variant.
Coding change: c.1515G>T on transcript NM_025179.4 (MANE Select); coding-DNA position 1515, G replaced by T.
Protein change: p.Arg505Ser; replaces arginine 505 with serine.
Molecular consequence: missense variant.
Genome position (GRCh38, 1-based): chr1:208,103,239, C>A on the plus strand (G>T on the coding strand, the complement: PLXNA2 is on the minus strand). VCF-style: chr1-208103239-C-A. GRCh37 (hg19) VCF-style: chr1-208276584-C-A.
Other names: short protein forms R505S.
Identifiers: ClinVar variation 1926423 (VCV001926423.5), dbSNP rs777274302, ClinGen allele CA1373816.

ClinVar aggregate classification (germline): Uncertain significance (1 of 4 stars; one submission).

Allele frequency attached by ClinVar (database versions not stated): TOPMed below 0.00001; ExAC 0.00001.

Submission:

Labcorp Genetics (formerly Invitae), Labcorp
Classification: Uncertain significance. Last evaluated: 2024-08-31. Review status: criteria provided, single submitter. Criteria: Invitae Variant Classification Sherloc (09022015). Collection method: clinical testing. Allele origin: germline.
Comment: This sequence change replaces arginine, which is basic and polar, with serine, which is neutral and polar, at codon 505 of the PLXNA2 protein (p.Arg505Ser). This variant is present in population databases (rs777274302, gnomAD 0.003%). This variant has not been reported in the literature in individuals affected with PLXNA2-related conditions. ClinVar contains an entry for this variant (Variation ID: 1926423). Invitae Evidence Modeling of protein sequence and biophysical properties (such as structural, functional, and spatial information, amino acid conservation, physicochemical variation, residue mobility, and thermodynamic stability) indicates that this missense variant is not expected to disrupt PLXNA2 protein function with a negative predictive value of 80%. In summary, the available evidence is currently insufficient to determine the role of this variant in disease. Therefore, it has been classified as a Variant of Uncertain Significance.